The following is an entry in ClinVar:

NM_000548.5(TSC2):c.856A>C (p.Met286Leu)

Gene: TSC2 (TSC complex subunit 2; plus strand). Cytogenetic location: 16p13.3.
Variant type: single nucleotide variant.
Coding change: c.856A>C on transcript NM_000548.5 (MANE Select); coding-DNA position 856, A replaced by C.
Protein change: p.Met286Leu; replaces methionine 286 with leucine.
Molecular consequence: missense variant. On other transcripts: 5 prime UTR variant (10), non-coding transcript variant (5).
Genome position (GRCh38, 1-based): chr16:2,058,754, A>C. VCF-style: chr16-2058754-A-C. GRCh37 (hg19) VCF-style: chr16-2108755-A-C.
Other names: c.856A>C, p.Met286Leu (NM_001077183.3, NM_001114382.3, NM_001363528.2 and 6 more transcripts); c.745A>C, p.Met249Leu (NM_001318827.2, NM_001406670.1, NM_001406678.1); c.709A>C, p.Met237Leu (NM_001318829.2, NM_001406675.1, NM_001406676.1 and 1 more transcripts); c.256A>C, p.Met86Leu (NM_001318831.2, NM_001406680.1, NM_001406682.1 and 6 more transcripts); c.889A>C, p.Met297Leu (NM_001318832.2); c.946A>C, p.Met316Leu (NM_001406667.1, NM_001406668.1); c.844A>C, p.Met282Leu (NM_001406671.1, NM_001406673.1); c.799A>C, p.Met267Leu (NM_001406677.1); and 4 more; short protein forms M282L, M286L, M297L, M267L, M132L, M237L, M249L, M86L.
Identifiers: ClinVar variation 2829520 (VCV002829520.4), dbSNP rs1800748, ClinGen allele CA394314951.
Genomic context (GRCh38, chr16:2,058,754, plus strand): 5'-GACCCTGGGACAGGGCCCTGCTCACATTCCGTCTCTCTGGGGAACACTTTTAGAGCCTAC[A>C]TGGAGGACGCGCCCCTGCTGAGAGGAGCCGTGTTTTTTGTGGGCATGGCTCTCTGGGGAG-3'
Protein context (NP_000539.2, residues 276-296): MCHLMEDRAY[Met286Leu]EDAPLLRGAV

ClinVar aggregate classification (germline): Uncertain significance. Review status: criteria provided, multiple submitters, no conflicts (2 of 4 stars). 2 submissions from 2 submitters: Uncertain significance (2). Last evaluated 2024-07-29.

Conditions:
Tuberous sclerosis syndrome (TSC). Also called: Tuberous Sclerosis Complex; Tuberous sclerosis. Identifiers: Orphanet 805, MedGen C0041341, MONDO:0001734.
Tuberous sclerosis 2 (TSC2). Identifiers: Orphanet 805, MedGen C1860707, MONDO:0013199, OMIM 613254.

gnomAD v4.1: 1 of 1,582,982 alleles (0.000063%); highest among the groups gnomAD compares: Non-Finnish European, 0.000086%; no homozygotes.

Submissions (2):

All of Us Research Program, National Institutes of Health
Classification: Uncertain significance for Tuberous sclerosis syndrome. Last evaluated: 2024-07-29. Review status: criteria provided, single submitter. Criteria: ACMG Guidelines, 2015. Collection method: clinical testing. Allele origin: germline. Inheritance: Autosomal dominant inheritance. Observed: 1 variant allele, 1 heterozygote.
Comment: This missense variant replaces methionine with leucine at codon 286 of the TSC2 protein. Computational prediction suggests that this variant may not impact protein structure and function (internally defined REVEL score threshold <= 0.5, PMID: 27666373). To our knowledge, functional studies have not been reported for this variant. This variant has not been reported in individuals affected with tuberous sclerosis complex in the literature. This variant has not been identified in the general population by the Genome Aggregation Database (gnomAD). The available evidence is insufficient to determine the role of this variant in disease conclusively. Therefore, this variant is classified as a Variant of Uncertain Significance.

This study involves interpretation of variants in research participants for the purpose of population health screening. Participant phenotype was not available at the time of variant classification. Additional details can be found in publication PMID: 35346344, PMCID: PMC8962531

Labcorp Genetics (formerly Invitae), Labcorp
Classification: Uncertain significance for Tuberous sclerosis 2. Last evaluated: 2023-06-23. Review status: criteria provided, single submitter. Criteria: Invitae Variant Classification Sherloc (09022015). Collection method: clinical testing. Allele origin: germline.
Comment: This sequence change replaces methionine, which is neutral and non-polar, with leucine, which is neutral and non-polar, at codon 286 of the TSC2 protein (p.Met286Leu). This variant is not present in population databases (gnomAD no frequency). This variant has not been reported in the literature in individuals affected with TSC2-related conditions. Advanced modeling of protein sequence and biophysical properties (such as structural, functional, and spatial information, amino acid conservation, physicochemical variation, residue mobility, and thermodynamic stability) performed at Invitae indicates that this missense variant is not expected to disrupt TSC2 protein function. In summary, the available evidence is currently insufficient to determine the role of this variant in disease. Therefore, it has been classified as a Variant of Uncertain Significance.